The following is an entry in ClinVar:

NM_022041.4(GAN):c.274A>C (p.Ser92Arg)

Gene: GAN (gigaxonin; plus strand). Cytogenetic location: 16q23.2.
Variant type: single nucleotide variant.
Coding change: c.274A>C on transcript NM_022041.4 (MANE Select); coding-DNA position 274, A replaced by C.
Protein change: p.Ser92Arg; replaces serine 92 with arginine.
Molecular consequence: missense variant. On other transcripts: intron variant (1).
Genome position (GRCh38, 1-based): chr16:81,351,689, A>C. VCF-style: chr16-81351689-A-C. GRCh37 (hg19) VCF-style: chr16-81385294-A-C.
Other names: c.-357-2716A>C (NM_001377486.1); short protein forms S92R.
Identifiers: ClinVar variation 848300 (VCV000848300.9), dbSNP rs1910305049, ClinGen allele CA396866092.

ClinVar aggregate classification (germline): Uncertain significance (1 of 4 stars; one submission).

Conditions:
Giant axonal neuropathy 1 (GAN1). Also called: GAN-Related Neurodegeneration; GIANT AXONAL NEUROPATHY 1, AUTOSOMAL RECESSIVE. Identifiers: Orphanet 643, MedGen C1850386, MONDO:0009749, OMIM 256850.

Submission:

Labcorp Genetics (formerly Invitae), Labcorp
Classification: Uncertain significance for Giant axonal neuropathy 1. Last evaluated: 2020-01-01. Review status: criteria provided, single submitter. Criteria: Invitae Variant Classification Sherloc (09022015). Collection method: clinical testing. Allele origin: germline.
Comment: In summary, the available evidence is currently insufficient to determine the role of this variant in disease. Therefore, it has been classified as a Variant of Uncertain Significance. Algorithms developed to predict the effect of missense changes on protein structure and function are either unavailable or do not agree on the potential impact of this missense change (SIFT: "Deleterious"; PolyPhen-2: "Probably Damaging"; Align-GVGD: "Class C0"). This variant has not been reported in the literature in individuals with GAN-related conditions. This variant is not present in population databases (ExAC no frequency). This sequence change replaces serine with arginine at codon 92 of the GAN protein (p.Ser92Arg). The serine residue is highly conserved and there is a moderate physicochemical difference between serine and arginine.